The following is an entry in ClinVar:

NM_000070.3(CAPN3):c.25G>C (p.Val9Leu)

Gene: CAPN3 (calpain 3; plus strand). Cytogenetic location: 15q15.1.
Variant type: single nucleotide variant.
Coding change: c.25G>C on transcript NM_000070.3 (MANE Select); coding-DNA position 25, G replaced by C.
Protein change: p.Val9Leu; replaces valine 9 with leucine.
Molecular consequence: missense variant.
Genome position (GRCh38, 1-based): chr15:42,359,830, G>C. VCF-style: chr15-42359830-G-C. GRCh37 (hg19) VCF-style: chr15-42652028-G-C.
Other names: c.25G>C, p.Val9Leu (NM_024344.2, NM_173087.2); short protein forms V9L.
Identifiers: ClinVar variation 1484336 (VCV001484336.8), dbSNP rs2052590373, ClinGen allele CA391993907.

ClinVar aggregate classification (germline): Uncertain significance (1 of 4 stars; one submission).

Conditions:
Autosomal recessive limb-girdle muscular dystrophy type 2A (LGMDR1). Also called: Limb-girdle muscular dystrophy, type 2A; LEYDEN-MOEBIUS MUSCULAR DYSTROPHY; MUSCULAR DYSTROPHY, PELVOFEMORAL; Muscular dystrophy, limb-girdle, type 2A, Amish; Calpainopathy. Identifiers: Orphanet 267, MedGen C1869123, MONDO:0009675, OMIM 253600. Disease mechanism: loss of function.

Allele frequency attached by ClinVar (database versions not stated): TOPMed below 0.00001; gnomAD exomes 0.00001.
gnomAD v4.1: 7 of 1,614,004 alleles (0.00043%); highest among the groups gnomAD compares: Non-Finnish European, 0.00051%; no homozygotes.

Submission:

Labcorp Genetics (formerly Invitae), Labcorp
Classification: Uncertain significance for Autosomal recessive limb-girdle muscular dystrophy type 2A. Last evaluated: 2023-07-08. Review status: criteria provided, single submitter. Criteria: Invitae Variant Classification Sherloc (09022015). Collection method: clinical testing. Allele origin: germline.
Comment: This sequence change replaces valine, which is neutral and non-polar, with leucine, which is neutral and non-polar, at codon 9 of the CAPN3 protein (p.Val9Leu). This variant is not present in population databases (gnomAD no frequency). This variant has not been reported in the literature in individuals affected with CAPN3-related conditions. ClinVar contains an entry for this variant (Variation ID: 1484336). Advanced modeling of protein sequence and biophysical properties (such as structural, functional, and spatial information, amino acid conservation, physicochemical variation, residue mobility, and thermodynamic stability) has been performed at Invitae for this missense variant, however the output from this modeling did not meet the statistical confidence thresholds required to predict the impact of this variant on CAPN3 protein function. In summary, the available evidence is currently insufficient to determine the role of this variant in disease. Therefore, it has been classified as a Variant of Uncertain Significance.